The following is an entry in ClinVar:

NM_001308210.2(TSHZ1):c.849C>G (p.Thr283=)

Gene: TSHZ1 (teashirt zinc finger homeobox 1; plus strand). Cytogenetic location: 18q22.3.
Variant type: single nucleotide variant.
Coding change: c.849C>G on transcript NM_001308210.2 (MANE Select); coding-DNA position 849, C replaced by G.
Protein change: p.Thr283=; no amino-acid change (threonine 283 retained).
Molecular consequence: synonymous variant.
Genome position (GRCh38, 1-based): chr18:75,286,256, C>G. VCF-style: chr18-75286256-C-G. GRCh37 (hg19) VCF-style: chr18-72998211-C-G.
Other names: c.714C>G, p.Thr238= (NM_005786.6).
Identifiers: ClinVar variation 3055921 (VCV003055921.2), dbSNP rs140283079, ClinGen allele CA9001919.

ClinVar aggregate classification (germline): Benign (0 of 4 stars; one submission).

Conditions:
TSHZ1-related disorder. Also called: TSHZ1-related condition.

Allele frequency attached by ClinVar (database versions not stated): ESP Exome Variant Server 0.00062; gnomAD 0.00121 and 0.00264; gnomAD exomes 0.00145 and 0.00494; 1000 Genomes Project 0.00260; 1000 Genomes Project 30x 0.00265; TOPMed 0.00296 and 0.00441; ExAC 0.00393.
gnomAD v4.1: 2,502 of 1,613,736 alleles (0.16%); highest among the groups gnomAD compares: Admixed American, 2.8%; 33 homozygotes.

Submission:

PreventionGenetics, part of Exact Sciences
Classification: Benign for TSHZ1-related condition. Last evaluated: 2019-07-24. Review status: no assertion criteria provided. Collection method: clinical testing. Allele origin: germline.
Comment: This variant is classified as benign based on ACMG/AMP sequence variant interpretation guidelines (Richards et al. 2015 PMID: 25741868, with internal and published modifications).